The following is an entry in ClinVar:

ClinVar aggregate classification (germline): Likely pathogenic. Review status: reviewed by expert panel (3 of 4 stars). 2 submissions from 2 submitters: Likely pathogenic (1). 1 of the submissions does not count toward it. Last evaluated 2021-12-12.

Conditions:
Phenylketonuria (PKU). Also called: OLIGOPHRENIA PHENYLPYRUVICA; Phenylketonurias; FOLLING DISEASE; Phenylketonuria (PKU). Identifiers: Orphanet 716, MedGen C0031485, MONDO:0009861, OMIM 261600. Disease mechanism: loss of function.

Submissions (2):

ClinGen PAH Variant Curation Expert Panel
Classification: Likely pathogenic for Phenylketonuria. Last evaluated: 2021-12-12. Review status: reviewed by expert panel. Criteria: ClinGen PAH ACMG Specifications v1. Collection method: curation. Allele origin: germline.
Comment: The c.870T>G (p.His290Gln) variant in PAH has been reported in one patient with classic PKU (BH4 deficiency not excluded; PP4; PMID: 26210745). It was detected with known pathogenic variant p.R261Q, but parental testing was not reported/performed. Functional studies show low but measurable activities for tyrosine formation and greatly decreased the affinity for iron (PMID: 18477464). This variant is absent from 1000G, ESP, ExAC and gnomAD. A deleterious effect is predicted in SIFT, Polyphen-2, MutationTaster, and REVEL=0.924. In summary, this variant meets criteria to be classified as likely pathogenic for PAH. PAH-specific ACMG/AMP criteria applied: PP4, PM2, PP3, PM3_supporting, PS3_supporting.

Counsyl
Classification: Uncertain significance for Phenylketonuria. Last evaluated: 2018-05-31. Review status: no assertion criteria provided. Collection method: clinical testing. Allele origin: unknown. Not counted in ClinVar's aggregate classification.

Literature cited by the submitters: PubMed 26210745 (cited by Counsyl).

NM_000277.3(PAH):c.870T>G (p.His290Gln)

Genes: PAH (phenylalanine hydroxylase; minus strand), LOC126861615 (CDK7 strongly-dependent group 2 enhancer GRCh37_chr12:103244689-103245888; plus strand). Cytogenetic location: 12q23.2.
Variant type: single nucleotide variant.
Coding change: c.870T>G on transcript NM_000277.3 (MANE Select); coding-DNA position 870, T replaced by G.
Protein change: p.His290Gln; replaces histidine 290 with glutamine.
Molecular consequence: missense variant.
Genome position (GRCh38, 1-based): chr12:102,851,729, A>C on the plus strand (T>G on the coding strand, the complement: PAH is on the minus strand). VCF-style: chr12-102851729-A-C. GRCh37 (hg19) VCF-style: chr12-103245507-A-C.
Other names: NM_000277.3(PAH):c.870T>G; p.His290Gln; c.870T>G, p.His290Gln (NM_001354304.2); short protein forms H290Q.
Identifiers: ClinVar variation 558612 (VCV000558612.3), dbSNP rs751203209, ClinGen allele CA16020878.